The following is an entry in ClinVar:

ClinVar aggregate classification (germline): Pathogenic. Review status: criteria provided, multiple submitters, no conflicts (2 of 4 stars). 2 submissions from 2 submitters: Pathogenic (2). Last evaluated 2023-08-03.

Conditions:
Cardiovascular phenotype. Identifiers: MedGen CN230736.
Myofibrillar myopathy 5. Also called: Filaminopathy (type); FILAMINOPATHY, AUTOSOMAL DOMINANT. Identifiers: Orphanet 171445, MedGen C1836050, MONDO:0012289, OMIM 609524.
Distal myopathy with posterior leg and anterior hand involvement. Also called: WILLIAMS DISTAL MYOPATHY. Identifiers: Orphanet 63273, MedGen C3279722, MONDO:0013550, OMIM 614065.
Hypertrophic cardiomyopathy 26. Also called: Cardiomyopathy, familial hypertrophic, 26. Identifiers: Orphanet 75249, MedGen C4310749, MONDO:0014883, OMIM 617047.

Submissions (2):

Ambry Genetics
Classification: Pathogenic for Cardiovascular phenotype. Last evaluated: 2023-08-03. Review status: criteria provided, single submitter. Criteria: Ambry Variant Classification Scheme 2023. Collection method: clinical testing. Allele origin: germline.
Comment: The c.531delC variant, located in coding exon 2 of the FLNC gene, results from a deletion of one nucleotide at nucleotide position 531, causing a translational frameshift with a predicted alternate stop codon (p.I178Sfs*74). This variant is considered to be rare based on population cohorts in the Genome Aggregation Database (gnomAD). This alteration is expected to result in loss of function by premature protein truncation or nonsense-mediated mRNA decay. Based on the supporting evidence, this variant is expected to be causative of FLNC-related dilated cardiomyopathy; however, its clinical significance for FLNC-related hypertrophy/restrictive cardiomyopathy and/or skeletal myopathy is unclear.

Labcorp Genetics (formerly Invitae), Labcorp
Classification: Pathogenic for Distal myopathy with posterior leg and anterior hand involvement; Myofibrillar myopathy 5; Hypertrophic cardiomyopathy 26. Last evaluated: 2021-08-27. Review status: criteria provided, single submitter. Criteria: Invitae Variant Classification Sherloc (09022015). Collection method: clinical testing. Allele origin: germline.
Comment: This sequence change creates a premature translational stop signal (p.Ile178Serfs*74) in the FLNC gene. It is expected to result in an absent or disrupted protein product. Loss-of-function variants in FLNC are known to be pathogenic (PMID: 27908349). This variant is not present in population databases (ExAC no frequency). This variant has not been reported in the literature in individuals affected with FLNC-related conditions. For these reasons, this variant has been classified as Pathogenic.

Literature cited by the submitters: PubMed 27908349 (cited by Labcorp Genetics (formerly Invitae), Labcorp).

NM_001458.5(FLNC):c.531del (p.Ile178fs)

Gene: FLNC (filamin C; plus strand). Cytogenetic location: 7q32.1.
Variant type: Deletion.
Coding change: c.531del on transcript NM_001458.5 (MANE Select); coding-DNA position 531, one base deleted (C; older notation c.531delC).
Protein change: p.Ile178fs; shifts the reading frame from isoleucine 178.
Molecular consequence: frameshift variant.
Genome position (GRCh38, 1-based): chr7:128,835,504, C deleted; the last of 3 consecutive C bases (chr7:128,835,502-128,835,504); deleting any one gives the same sequence. VCF-style (leftmost placement, unchanged base first): chr7-128835501-GC-G. GRCh37 (hg19) VCF-style: chr7-128475555-GC-G.
Other names: c.531del, p.Ile178fs (NM_001127487.2); c.531delC (NM_001458.4); short protein forms I178fs.
Identifiers: ClinVar variation 1373290 (VCV001373290.4), dbSNP rs2128933676, ClinGen allele CA2573141748.
Genomic context (GRCh38, chr7:128,835,501, plus strand): 5'-CCGCAAACAGACGCCCAAGCAGCGGCTGCTTGGCTGGATCCAGAACAAGGTGCCCCAGCT[GC>G]CCATCACCAACTTCAACCGTGACTGGCAGGACGGCAAAGCTCTGGGCGCCCTGGTGGACA-3'